The following is an entry in ClinVar:

ClinVar aggregate classification (germline): Uncertain significance. Review status: criteria provided, multiple submitters, no conflicts (2 of 4 stars). 4 submissions from 4 submitters: Uncertain significance (3). 1 of the submissions does not count toward it. Last evaluated 2025-07-08.

Conditions:
MYO7A-related disorder. Also called: MYO7A-related disorders.
Usher syndrome type 1B (USH1B). Also called: Usher syndrome type IB. Identifiers: MedGen C1848638, MONDO:0700087.

Allele frequency attached by ClinVar (database versions not stated): gnomAD exomes 0.00002 and 0.00005; ExAC 0.00003; gnomAD 0.00004; TOPMed 0.00007.

Submissions (4):

PreventionGenetics, part of Exact Sciences
Classification: Uncertain significance for MYO7A-related condition. Last evaluated: 2025-07-08. Review status: criteria provided, single submitter. Criteria: ACMG Guidelines, 2015. Collection method: clinical testing. Allele origin: germline.
Comment: The MYO7A c.2762G>A variant is predicted to result in the amino acid substitution p.Arg921Gln. This variant was reported in an individual with hearing loss (Table S2, Usami et al. 2022. PubMed ID: 34599366). This variant is reported in 0.018% of alleles in individuals of East Asian descent in gnomAD. At this time, the clinical significance of this variant is uncertain due to the absence of conclusive functional and genetic evidence.

Labcorp Genetics (formerly Invitae), Labcorp
Classification: Uncertain significance. Last evaluated: 2025-01-13. Review status: criteria provided, single submitter. Criteria: Invitae Variant Classification Sherloc (09022015). Collection method: clinical testing. Allele origin: germline.
Comment: This sequence change replaces arginine, which is basic and polar, with glutamine, which is neutral and polar, at codon 921 of the MYO7A protein (p.Arg921Gln). This variant is present in population databases (rs782498923, gnomAD 0.02%). This variant has not been reported in the literature in individuals affected with MYO7A-related conditions. ClinVar contains an entry for this variant (Variation ID: 852055). Invitae Evidence Modeling of protein sequence and biophysical properties (such as structural, functional, and spatial information, amino acid conservation, physicochemical variation, residue mobility, and thermodynamic stability) indicates that this missense variant is not expected to disrupt MYO7A protein function with a negative predictive value of 95%. In summary, the available evidence is currently insufficient to determine the role of this variant in disease. Therefore, it has been classified as a Variant of Uncertain Significance.

Blueprint Genetics
Classification: Uncertain significance. Last evaluated: 2020-09-01. Review status: criteria provided, single submitter. Criteria: ACMG Guidelines, 2015. Collection method: clinical testing. Allele origin: germline.

Natera, Inc.
Classification: Uncertain significance for Usher syndrome type 1B. Last evaluated: 2020-03-17. Review status: no assertion criteria provided. Collection method: clinical testing. Allele origin: germline. Not counted in ClinVar's aggregate classification.

NM_000260.4(MYO7A):c.2762G>A (p.Arg921Gln)

Gene: MYO7A (myosin VIIA; plus strand). Cytogenetic location: 11q13.5.
Variant type: single nucleotide variant.
Coding change: c.2762G>A on transcript NM_000260.4 (MANE Select); coding-DNA position 2762, G replaced by A.
Protein change: p.Arg921Gln; replaces arginine 921 with glutamine.
Molecular consequence: missense variant.
Genome position (GRCh38, 1-based): chr11:77,181,447, G>A. VCF-style: chr11-77181447-G-A. GRCh37 (hg19) VCF-style: chr11-76892493-G-A.
Other names: c.2762G>A, p.Arg921Gln (NM_001127180.2); c.2729G>A, p.Arg910Gln (NM_001369365.1); short protein forms R921Q, R910Q.
Identifiers: ClinVar variation 852055 (VCV000852055.9), dbSNP rs782498923, ClinGen allele CA6197929.